The following is an entry in ClinVar:

ClinVar aggregate classification (germline): Uncertain significance. Review status: criteria provided, multiple submitters, no conflicts (2 of 4 stars). 4 submissions from 4 submitters: Uncertain significance (4). Last evaluated 2026-01-28.

Conditions:
Familial cancer of breast. Also called: BREAST CANCER, FAMILIAL; Hereditary breast cancer; hereditary breast carcinoma. Identifiers: Orphanet 227535, MedGen C0346153, MONDO:0016419, OMIM 114480. Disease mechanism: loss of function.
Hereditary cancer-predisposing syndrome. Also called: Neoplastic Syndromes, Hereditary; Tumor predisposition; Hereditary neoplastic syndrome; Hereditary Cancer Syndrome. Identifiers: Orphanet 140162, MedGen C0027672, MeSH D009386, MONDO:0015356.

Allele frequency attached by ClinVar (database versions not stated): gnomAD exomes 0.00001.
gnomAD v4.1: 3 of 1,613,946 alleles (0.00019%); highest among the groups gnomAD compares: South Asian, 0.0011%; no homozygotes.

Submissions (4):

Labcorp Genetics (formerly Invitae), Labcorp
Classification: Uncertain significance for Familial cancer of breast. Last evaluated: 2026-01-28. Review status: criteria provided, single submitter. Criteria: Invitae Variant Classification Sherloc (09022015). Collection method: clinical testing. Allele origin: germline.
Comment: This sequence change replaces asparagine, which is neutral and polar, with aspartic acid, which is acidic and polar, at codon 577 of the PALB2 protein (p.Asn577Asp). This variant is not present in population databases (gnomAD no frequency). This variant has not been reported in the literature in individuals affected with PALB2-related conditions. ClinVar contains an entry for this variant (Variation ID: 628579). Invitae Evidence Modeling of protein sequence and biophysical properties (such as structural, functional, and spatial information, amino acid conservation, physicochemical variation, residue mobility, and thermodynamic stability) indicates that this missense variant is not expected to disrupt PALB2 protein function with a negative predictive value of 80%. In summary, the available evidence is currently insufficient to determine the role of this variant in disease. Therefore, it has been classified as a Variant of Uncertain Significance.

Institute for Biomarker Research, Medical Diagnostic Laboratories, L.L.C.
Classification: Uncertain significance for Hereditary cancer-predisposing syndrome. Last evaluated: 2025-08-04. Review status: criteria provided, single submitter. Criteria: ACMG Guidelines, 2015. Collection method: clinical testing. Allele origin: germline.
Comment: The missense variant NM_024675.4(PALB2):c.1729A>G (p.Asn577Asp) has not been reported previously as a pathogenic variant nor as a benign variant, to our knowledge. There is a small physicochemical difference between asparagine and aspartic acid, which is not likely to impact secondary protein structure as these residues share similar properties. The p.Asn577Asp variant is not predicted to introduce a novel splice site by any splice site algorithm. The p.Asn577Asp missense variant is predicted to be tolerated by both SIFT or PolyPhen2. The nucleotide c.1729 in PALB2 is not conserved according to a GERP++ and PhyloP analysis of 100 vertebrates. For these reasons, this variant has been classified as Uncertain Significance.

Ambry Genetics
Classification: Uncertain significance for Hereditary cancer-predisposing syndrome. Last evaluated: 2025-02-05. Review status: criteria provided, single submitter. Criteria: Ambry Variant Classification Scheme 2023. Collection method: clinical testing. Allele origin: germline.
Comment: The p.N577D variant (also known as c.1729A>G), located in coding exon 5 of the PALB2 gene, results from an A to G substitution at nucleotide position 1729. The asparagine at codon 577 is replaced by aspartic acid, an amino acid with highly similar properties. This alteration was identified in a cohort of familial colorectal cancer patients undergoing multigene panel testing (Raskin L et al. Oncotarget, 2017 Nov;8:93450-93463). This amino acid position is not well conserved in available vertebrate species, and aspartic acid is the reference amino acid in other vertebrate species. In addition, this alteration is predicted to be tolerated by in silico analysis. Since supporting evidence is limited at this time, the clinical significance of this alteration remains unclear.

Color Diagnostics, LLC DBA Color Health
Classification: Uncertain significance for Hereditary cancer-predisposing syndrome. Last evaluated: 2018-07-29. Review status: criteria provided, single submitter. Criteria: ACMG Guidelines, 2015. Collection method: clinical testing. Allele origin: germline.

Literature cited by the submitters: PubMed 29212164 (cited by Ambry Genetics).

NM_024675.4(PALB2):c.1729A>G (p.Asn577Asp)

Gene: PALB2 (partner and localizer of BRCA2; minus strand). Cytogenetic location: 16p12.2.
Variant type: single nucleotide variant.
Coding change: c.1729A>G on transcript NM_024675.4 (MANE Select); coding-DNA position 1729, A replaced by G.
Protein change: p.Asn577Asp; replaces asparagine 577 with aspartic acid.
Molecular consequence: missense variant.
Genome position (GRCh38, 1-based): chr16:23,630,425, T>C on the plus strand (A>G on the coding strand, the complement: PALB2 is on the minus strand). VCF-style: chr16-23630425-T-C. GRCh37 (hg19) VCF-style: chr16-23641746-T-C.
Other names: short protein forms N577D.
Identifiers: ClinVar variation 628579 (VCV000628579.16), dbSNP rs1567218928, ClinGen allele CA395128344.